The following is an entry in ClinVar:

ClinVar aggregate classification (germline): Uncertain significance (1 of 4 stars; one submission).

Conditions:
Neurofibromatosis, type 1 (NF1). Also called: VON RECKLINGHAUSEN DISEASE; Neurofibromatosis, type I; Peripheral type neurofibromatosis; NEUROFIBROMATOSIS, TYPE I, SOMATIC. Identifiers: Orphanet 636, MedGen C0027831, MONDO:0018975, OMIM 162200. Disease mechanism: loss of function.

Submission:

Labcorp Genetics (formerly Invitae), Labcorp
Classification: Uncertain significance for Neurofibromatosis, type 1. Last evaluated: 2023-04-06. Review status: criteria provided, single submitter. Criteria: Invitae Variant Classification Sherloc (09022015). Collection method: clinical testing. Allele origin: germline.
Comment: In summary, the available evidence is currently insufficient to determine the role of this variant in disease. Therefore, it has been classified as a Variant of Uncertain Significance. This sequence change replaces proline, which is neutral and non-polar, with leucine, which is neutral and non-polar, at codon 516 of the NF1 protein (p.Pro516Leu). This variant is not present in population databases (gnomAD no frequency). This variant has not been reported in the literature in individuals affected with NF1-related conditions. Advanced modeling of protein sequence and biophysical properties (such as structural, functional, and spatial information, amino acid conservation, physicochemical variation, residue mobility, and thermodynamic stability) performed at Invitae indicates that this missense variant is not expected to disrupt NF1 protein function.

NM_001042492.3(NF1):c.1547C>T (p.Pro516Leu)

Gene: NF1 (neurofibromin 1; plus strand). Cytogenetic location: 17q11.2.
Variant type: single nucleotide variant.
Coding change: c.1547C>T on transcript NM_001042492.3 (MANE Select); coding-DNA position 1547, C replaced by T.
Protein change: p.Pro516Leu; replaces proline 516 with leucine.
Molecular consequence: missense variant.
Genome position (GRCh38, 1-based): chr17:31,219,024, C>T. VCF-style: chr17-31219024-C-T. GRCh37 (hg19) VCF-style: chr17-29546042-C-T.
Other names: c.1547C>T, p.Pro516Leu (NM_000267.4, NM_001128147.3); short protein forms P516L.
Identifiers: ClinVar variation 2852179 (VCV002852179.3), dbSNP rs2143985858, ClinGen allele CA399001855.